The following is an entry in ClinVar:

NM_020436.5(SALL4):c.1225C>T (p.Pro409Ser)

Gene: SALL4 (spalt like transcription factor 4; minus strand). Cytogenetic location: 20q13.2.
Variant type: single nucleotide variant.
Coding change: c.1225C>T on transcript NM_020436.5 (MANE Select); coding-DNA position 1225, C replaced by T.
Protein change: p.Pro409Ser; replaces proline 409 with serine.
Molecular consequence: missense variant. On other transcripts: intron variant (1).
Genome position (GRCh38, 1-based): chr20:51,791,258, G>A on the plus strand (C>T on the coding strand, the complement: SALL4 is on the minus strand). VCF-style: chr20-51791258-G-A. GRCh37 (hg19) VCF-style: chr20-50407797-G-A.
Other names: c.1150+75C>T (NM_001318031.2); short protein forms P409S.
Identifiers: ClinVar variation 5017420 (VCV005017420.1).

ClinVar aggregate classification (germline): Uncertain significance (1 of 4 stars; one submission).

Submission:

GeneDx
Classification: Uncertain significance. Last evaluated: 2026-03-24. Review status: criteria provided, single submitter. Criteria: GeneDx Variant Classification Process June 2021. Collection method: clinical testing. Allele origin: germline.
Comment: Not observed at significant frequency in large population cohorts (gnomAD); In silico analysis supports that this missense variant has a deleterious effect on protein structure/function; Has not been previously published as pathogenic or benign to our knowledge